The following is an entry in ClinVar:

ClinVar aggregate classification (germline): Uncertain significance (1 of 4 stars; one submission).

gnomAD v4.1: 2 of 1,605,140 alleles (0.00012%); highest among the groups gnomAD compares: South Asian, 0.0011%; no homozygotes.

Submission:

Women's Health and Genetics/Laboratory Corporation of America, LabCorp
Classification: Uncertain significance. Last evaluated: 2025-12-17. Review status: criteria provided, single submitter. Criteria: LabCorp Variant Classification Summary - May 2015. Collection method: clinical testing. Allele origin: germline.
Comment: Variant summary: HRAS NM_176795 c.476G>A (p.Ser159Asn) results in a conservative amino acid change in the encoded protein sequence. Algorithms developed to predict the effect of missense changes on protein structure and function are either unavailable or do not agree on the potential impact of this missense change. This variant, also annotated as HRAS NM_005343 c.450+120G>A, is located at a position not widely known to affect splicing. Consensus agreement among computation tools predicts no significant impact on normal splicing. However, these predictions have yet to be confirmed by functional studies. The variant allele was found at a frequency of 1.3e-06 in 1598252 control chromosomes (gnomAD v4.1). The available data on variant occurrences in the general population are insufficient to allow any conclusion about variant significance. To our knowledge, no occurrence of this variant in individuals affected with HRAS-related conditions and no experimental evidence demonstrating its impact on protein function have been reported. No submitters have cited clinical-significance assessments for this variant to ClinVar. Based on the evidence outlined above, the variant was classified as uncertain significance.

NM_176795.5(HRAS):c.476G>A (p.Ser159Asn)

Genes: HRAS (HRas proto-oncogene, GTPase; minus strand), LRRC56 (leucine rich repeat containing 56; plus strand). Cytogenetic location: 11p15.5.
Variant type: single nucleotide variant.
Coding change: c.476G>A on transcript NM_176795.5 (MANE Plus Clinical); coding-DNA position 476, G replaced by A.
Protein change: p.Ser159Asn; replaces serine 159 with asparagine.
Molecular consequence: missense variant. On other transcripts: intron variant (4).
Genome position (GRCh38, 1-based): chr11:533,333, C>T on the plus strand (G>A on the coding strand, the complement: HRAS is on the minus strand). VCF-style: chr11-533333-C-T. GRCh37 (hg19) VCF-style: chr11-533333-C-T.
Other names: c.157G>A, p.Ala53Thr (NM_001318054.2); c.-162+4996C>T (NM_001441284.1, NM_001441286.1); c.450+120G>A (NM_005343.4, NM_001130442.3); short protein forms A53T, S159N.
Identifiers: ClinVar variation 4688245 (VCV004688245.1).